The following is an entry in ClinVar:

NM_000037.4(ANK1):c.2765G>A (p.Arg922Gln)

Gene: ANK1 (ankyrin 1; minus strand). Cytogenetic location: 8p11.21.
Variant type: single nucleotide variant.
Coding change: c.2765G>A on transcript NM_000037.4 (MANE Select); coding-DNA position 2765, G replaced by A.
Protein change: p.Arg922Gln; replaces arginine 922 with glutamine.
Molecular consequence: missense variant.
Genome position (GRCh38, 1-based): chr8:41,696,558, C>T on the plus strand (G>A on the coding strand, the complement: ANK1 is on the minus strand). VCF-style: chr8-41696558-C-T. GRCh37 (hg19) VCF-style: chr8-41554076-C-T.
Other names: c.2888G>A, p.Arg963Gln (NM_001142446.2); c.2765G>A, p.Arg922Gln (NM_020475.3, NM_020476.3, NM_020477.3); short protein forms R922Q, R963Q.
Identifiers: ClinVar variation 2385109 (VCV002385109.3), dbSNP rs772217562, ClinGen allele CA4728087.

ClinVar aggregate classification (germline): Uncertain significance (1 of 4 stars; one submission).

Conditions:
Inborn genetic diseases. Identifiers: MedGen C0950123, MeSH D030342.

Allele frequency attached by ClinVar (database versions not stated): gnomAD exomes 0.00001; ExAC 0.00002; gnomAD 0.00007; TOPMed 0.00012.
gnomAD v4.1: 32 of 1,613,834 alleles (0.002%); highest among the groups gnomAD compares: Admixed American, 0.04%; no homozygotes.

Submission:

Ambry Genetics
Classification: Uncertain significance for Inborn genetic diseases. Last evaluated: 2026-03-10. Review status: criteria provided, single submitter. Criteria: Ambry Variant Classification Scheme 2023. Collection method: clinical testing. Allele origin: germline.
Comment: The c.2765G>A (p.R922Q) alteration is located in exon 26 (coding exon 26) of the ANK1 gene. This alteration results from a G to A substitution at nucleotide position 2765, causing the arginine (R) at amino acid position 922 to be replaced by a glutamine (Q). Based on data from gnomAD, the A allele has an overall frequency of 0.004% (9/250892) total alleles studied. The highest observed frequency was 0.023% (8/34582) of Latino alleles. Based on insufficient or conflicting evidence, the clinical significance of this alteration remains unclear.